The following is an entry in ClinVar:

ClinVar aggregate classification (germline): Likely pathogenic (1 of 4 stars; one submission).

Conditions:
UBE4A-related disorder. Also called: UBE4A-related condition.

Submission:

PreventionGenetics, part of Exact Sciences
Classification: Likely pathogenic for UBE4A-related condition. Last evaluated: 2025-03-05. Review status: criteria provided, single submitter. Criteria: ACMG Guidelines, 2015. Collection method: clinical testing. Allele origin: germline.
Comment: The UBE4A c.2708T>A variant is predicted to result in premature protein termination (p.Leu903*). To our knowledge, this variant has not been reported in the literature or in a large population database (gnomAD), indicating this variant is rare. Nonsense variants in UBE4A are expected to be pathogenic. This variant is interpreted as likely pathogenic.

NM_001204077.2(UBE4A):c.2687T>A (p.Leu896Ter)

Genes: UBE4A (ubiquitination factor E4A; plus strand), LOC100131626 (uncharacterized LOC100131626; minus strand). Cytogenetic location: 11q23.3.
Variant type: single nucleotide variant.
Coding change: c.2687T>A on transcript NM_001204077.2 (MANE Select); coding-DNA position 2687, T replaced by A.
Protein change: p.Leu896Ter; replaces leucine 896 with a stop codon.
Molecular consequence: nonsense.
Genome position (GRCh38, 1-based): chr11:118,389,824, T>A. VCF-style: chr11-118389824-T-A. GRCh37 (hg19) VCF-style: chr11-118260539-T-A.
Other names: c.2708T>A, p.Leu903Ter (NM_004788.4); short protein forms L896*, L903*.
Identifiers: ClinVar variation 5000190 (VCV005000190.1).